The following is an entry in ClinVar:

NM_002048.3(GAS1):c.464C>G (p.Ala155Gly)

Gene: GAS1 (growth arrest specific 1; minus strand). Cytogenetic location: 9q21.33.
Variant type: single nucleotide variant.
Coding change: c.464C>G on transcript NM_002048.3 (MANE Select); coding-DNA position 464, C replaced by G.
Protein change: p.Ala155Gly; replaces alanine 155 with glycine.
Molecular consequence: missense variant.
Genome position (GRCh38, 1-based): chr9:86,946,316, G>C on the plus strand (C>G on the coding strand, the complement: GAS1 is on the minus strand). VCF-style: chr9-86946316-G-C. GRCh37 (hg19) VCF-style: chr9-89561231-G-C.
Other names: short protein forms A155G.
Identifiers: ClinVar variation 1417985 (VCV001417985.6), dbSNP rs1588171716, ClinGen allele CA374016107.
Genomic context (GRCh38, chr9:86,946,316, plus strand): 5'-CGGTCGCAGCGCCGCCGGGCCTCGGTGCAGCCCATGACCCCGCCCGCGCCGGGGCCGCCC[G>C]CGCCGCCGCCGCTCGTCCGGGGCAGGCACGGCTCAATGGCGCGCTTGGTGGACTTGCAGT-3'
Protein context (NP_002039.2, residues 145-165): PCLPRTSGGG[Ala155Gly]GGPGAGGVMG

ClinVar aggregate classification (germline): Uncertain significance (1 of 4 stars; one submission).

gnomAD v4.1: 2 of 1,405,840 alleles (0.00014%); highest among the groups gnomAD compares: East Asian, 0.0032%; no homozygotes.

Submission:

Labcorp Genetics (formerly Invitae), Labcorp
Classification: Uncertain significance. Last evaluated: 2022-06-14. Review status: criteria provided, single submitter. Criteria: Invitae Variant Classification Sherloc (09022015). Collection method: clinical testing. Allele origin: germline.
Comment: This variant has not been reported in the literature in individuals affected with GAS1-related conditions. This sequence change replaces alanine, which is neutral and non-polar, with glycine, which is neutral and non-polar, at codon 155 of the GAS1 protein (p.Ala155Gly). This variant is not present in population databases (gnomAD no frequency). Algorithms developed to predict the effect of missense changes on protein structure and function (SIFT, PolyPhen-2, Align-GVGD) all suggest that this variant is likely to be tolerated. In summary, the available evidence is currently insufficient to determine the role of this variant in disease. Therefore, it has been classified as a Variant of Uncertain Significance.